The following is an entry in ClinVar:

ClinVar aggregate classification (germline): Likely pathogenic. Review status: criteria provided, multiple submitters, no conflicts (2 of 4 stars). 2 submissions from 2 submitters: Likely pathogenic (2). Last evaluated 2026-09-08.

Conditions:
Fabry disease. Also called: Ceramide trihexosidosis; GLA DEFICIENCY; HEREDITARY DYSTOPIC LIPIDOSIS; Angiokeratoma corporis diffusum; Fabry's disease; ALPHA-GALACTOSIDASE A DEFICIENCY. Identifiers: Orphanet 324, MedGen C0002986, MONDO:0010526, OMIM 301500, HP:0001071. Disease mechanism: Fabry disease is due to inactivating mutations in the X-linked GLA gene resulting in deficiency of the enzyme Alpha Galactosidase-A., loss of function.

Submissions (2):

Genomenon, Inc
Classification: Likely pathogenic for Fabry disease. Last evaluated: 2026-09-08. Review status: criteria provided, single submitter. Criteria: Genomenon Sequence Variant Interpretation Standards - Updated. Collection method: curation. Allele origin: germline. Affected: yes.
Comment: GLA p.Asn224Thr (c.671A>C) is a missense variant that changes the amino acid at codon 224 from Asparagine to Threonine. This variant has been observed in at least one proband with clinical features consistent with Fabry disease (PMID:35338595). The variant was found to segregate with disease in at least one affected family (PMID:35338595). Functional or patient cell studies have been reported (PMID:35338595). This variant is located in a mutational hotspot and/or important functional domain. It is absent or not present at a significant frequency in gnomAD. In silico models predict that this variant is possibly or probably damaging. In conclusion, we classify GLA p.Asn224Thr (c.671A>C) as a likely pathogenic variant.

Revvity Omics, Revvity
Classification: Likely pathogenic. Last evaluated: 2020-03-29. Review status: criteria provided, single submitter. Criteria: ACMG Guidelines, 2015. Collection method: clinical testing. Allele origin: germline.

Literature cited by the submitters: PubMed 35338595 (cited by Genomenon, Inc).

NM_000169.3(GLA):c.671A>C (p.Asn224Thr)

Genes: GLA (galactosidase alpha; minus strand), RPL36A-HNRNPH2 (RPL36A-HNRNPH2 readthrough; plus strand). Cytogenetic location: Xq22.1.
Variant type: single nucleotide variant.
Coding change: c.671A>C on transcript NM_000169.3 (MANE Select); coding-DNA position 671, A replaced by C.
Protein change: p.Asn224Thr; replaces asparagine 224 with threonine.
Molecular consequence: missense variant. On other transcripts: non-coding transcript variant (3), intron variant (2).
Genome position (GRCh38, 1-based): chrX:101,398,915, T>G on the plus strand (A>C on the coding strand, the complement: GLA is on the minus strand). VCF-style: chrX-101398915-T-G. GRCh37 (hg19) VCF-style: chrX-100653903-T-G.
Other names: c.794A>C, p.Asn265Thr (NM_001406747.1); c.671A>C, p.Asn224Thr (NM_001406748.1); c.300+3458T>G (NM_001199973.2); c.177+7093T>G (NM_001199974.2); short protein forms N224T, N265T.
Identifiers: ClinVar variation 1324464 (VCV001324464.6), dbSNP rs869312383, ClinGen allele CA413924971.